The following is an entry in ClinVar:

ClinVar aggregate classification (germline): Uncertain significance (1 of 4 stars; one submission).

Conditions:
Muscle AMP deaminase deficiency (MMDD). Also called: Myoadenylate deaminase deficiency, myopathy due to; Adenosine monophosphate deaminase 1 deficiency; AMP deaminase 1 deficiency; Adenosine Monophosphate Deaminase 1; ADENOSINE MONOPHOSPHATE DEAMINASE-1 DEFICIENCY, MYOPATHY DUE TO; AMPD1 DEFICIENCY. Identifiers: Orphanet 45, MedGen C3714933, MONDO:0014220, OMIM 615511.

Allele frequency attached by ClinVar (database versions not stated): gnomAD exomes below 0.00001 and 0.00001; TOPMed below 0.00001; ExAC 0.00001.

Submission:

Labcorp Genetics (formerly Invitae), Labcorp
Classification: Uncertain significance for Muscle AMP deaminase deficiency. Last evaluated: 2024-04-05. Review status: criteria provided, single submitter. Criteria: Invitae Variant Classification Sherloc (09022015). Collection method: clinical testing. Allele origin: germline.
Comment: This sequence change creates a premature translational stop signal (p.Gln69*) in the AMPD1 gene. It is expected to result in an absent or disrupted protein product. However, the current clinical and genetic evidence is not sufficient to establish whether loss-of-function variants in AMPD1 cause disease. This variant is present in population databases (rs746801564, gnomAD 0.003%). This variant has not been reported in the literature in individuals affected with AMPD1-related conditions. ClinVar contains an entry for this variant (Variation ID: 1349268). In summary, the available evidence is currently insufficient to determine the role of this variant in disease. Therefore, it has been classified as a Variant of Uncertain Significance.

NM_000036.3(AMPD1):c.106C>T (p.Gln36Ter)

Gene: AMPD1 (adenosine monophosphate deaminase 1; minus strand). Cytogenetic location: 1p13.2.
Variant type: single nucleotide variant.
Coding change: c.106C>T on transcript NM_000036.3 (MANE Select); coding-DNA position 106, C replaced by T.
Protein change: p.Gln36Ter; replaces glutamine 36 with a stop codon.
Molecular consequence: nonsense.
Genome position (GRCh38, 1-based): chr1:114,688,670, G>A on the plus strand (C>T on the coding strand, the complement: AMPD1 is on the minus strand). VCF-style: chr1-114688670-G-A. GRCh37 (hg19) VCF-style: chr1-115231291-G-A.
Other names: c.94C>T, p.Gln32Ter (NM_001172626.2); short protein forms Q36*, Q32*.
Identifiers: ClinVar variation 1349268 (VCV001349268.5), dbSNP rs746801564, ClinGen allele CA1020555.